The following is an entry in ClinVar:

NM_002470.4(MYH3):c.2767G>T (p.Val923Leu)

Gene: MYH3 (myosin heavy chain 3; minus strand). Cytogenetic location: 17p13.1.
Variant type: single nucleotide variant.
Coding change: c.2767G>T on transcript NM_002470.4 (MANE Select); coding-DNA position 2767, G replaced by T.
Protein change: p.Val923Leu; replaces valine 923 with leucine.
Molecular consequence: missense variant.
Genome position (GRCh38, 1-based): chr17:10,639,718, C>A on the plus strand (G>T on the coding strand, the complement: MYH3 is on the minus strand). VCF-style: chr17-10639718-C-A. GRCh37 (hg19) VCF-style: chr17-10543035-C-A.
Other names: short protein forms V923L.
Identifiers: ClinVar variation 1030560 (VCV001030560.6), dbSNP rs746388623, ClinGen allele CA8392682.

ClinVar aggregate classification (germline): Uncertain significance. Review status: criteria provided, multiple submitters, no conflicts (2 of 4 stars). 3 submissions from 3 submitters: Uncertain significance (3). Last evaluated 2025-12-30.

Conditions:
Inborn genetic diseases. Identifiers: MedGen C0950123, MeSH D030342.
Freeman-Sheldon syndrome (DA2A). Also called: WHISTLING FACE-WINDMILL VANE HAND SYNDROME; Arthrogryposis, distal, type 2A (Freeman-Sheldon); CRANIOCARPOTARSAL DYSPLASIA; CRANIOCARPOTARSAL DYSTROPHY. Identifiers: Orphanet 2053, MedGen C0265224, MONDO:0008675, OMIM 193700.

Allele frequency attached by ClinVar (database versions not stated): ExAC 0.00002; gnomAD exomes 0.00002; gnomAD 0.00013 and 0.00014; TOPMed 0.00017.

Submissions (3):

Labcorp Genetics (formerly Invitae), Labcorp
Classification: Uncertain significance. Last evaluated: 2025-12-30. Review status: criteria provided, single submitter. Criteria: Invitae Variant Classification Sherloc (09022015). Collection method: clinical testing. Allele origin: germline.
Comment: This sequence change replaces valine, which is neutral and non-polar, with leucine, which is neutral and non-polar, at codon 923 of the MYH3 protein (p.Val923Leu). This variant is present in population databases (rs746388623, gnomAD 0.05%). This variant has not been reported in the literature in individuals affected with MYH3-related conditions. ClinVar contains an entry for this variant (Variation ID: 1030560). Invitae Evidence Modeling of protein sequence and biophysical properties (such as structural, functional, and spatial information, amino acid conservation, physicochemical variation, residue mobility, and thermodynamic stability) indicates that this missense variant is not expected to disrupt MYH3 protein function with a negative predictive value of 95%. In summary, the available evidence is currently insufficient to determine the role of this variant in disease. Therefore, it has been classified as a Variant of Uncertain Significance.

Ambry Genetics
Classification: Uncertain significance for Inborn genetic diseases. Last evaluated: 2024-11-20. Review status: criteria provided, single submitter. Criteria: Ambry Variant Classification Scheme 2023. Collection method: clinical testing. Allele origin: germline.

Baylor Genetics
Classification: Uncertain significance for Freeman-Sheldon syndrome. Last evaluated: 2020-01-22. Review status: criteria provided, single submitter. Criteria: ACMG Guidelines, 2015. Collection method: clinical testing. Allele origin: unknown. Affected: yes.
Comment: This variant was determined to be of uncertain significance according to ACMG Guidelines, 2015 [PMID:25741868].